The following is an entry in ClinVar:

ClinVar aggregate classification (germline): Uncertain significance. Review status: criteria provided, multiple submitters, no conflicts (2 of 4 stars). 2 submissions from 2 submitters: Uncertain significance (2). Last evaluated 2025-04-03.

gnomAD v4.1: 90 of 1,613,744 alleles (0.0056%); highest among the groups gnomAD compares: Non-Finnish European, 0.0065%; no homozygotes.

Submissions (2):

Ambry Genetics
Classification: Uncertain significance. Last evaluated: 2025-04-03. Review status: criteria provided, single submitter. Criteria: Ambry Variant Classification Scheme 2023. Collection method: clinical testing. Allele origin: germline.

Labcorp Genetics (formerly Invitae), Labcorp
Classification: Uncertain significance. Last evaluated: 2024-11-21. Review status: criteria provided, single submitter. Criteria: Invitae Variant Classification Sherloc (09022015). Collection method: clinical testing. Allele origin: germline.
Comment: This sequence change replaces arginine, which is basic and polar, with cysteine, which is neutral and slightly polar, at codon 1946 of the MYH7B protein (p.Arg1946Cys). This variant is present in population databases (rs374167272, gnomAD 0.006%). This variant has not been reported in the literature in individuals affected with MYH7B-related conditions. Invitae Evidence Modeling of protein sequence and biophysical properties (such as structural, functional, and spatial information, amino acid conservation, physicochemical variation, residue mobility, and thermodynamic stability) indicates that this missense variant is expected to disrupt MYH7B protein function with a positive predictive value of 80%. In summary, the available evidence is currently insufficient to determine the role of this variant in disease. Therefore, it has been classified as a Variant of Uncertain Significance.

NM_020884.7(MYH7B):c.5710C>T (p.Arg1904Cys)

Gene: MYH7B (myosin heavy chain 7B; plus strand). Cytogenetic location: 20q11.22.
Variant type: single nucleotide variant.
Coding change: c.5710C>T on transcript NM_020884.7 (MANE Select); coding-DNA position 5710, C replaced by T.
Protein change: p.Arg1904Cys; replaces arginine 1904 with cysteine.
Molecular consequence: missense variant.
Genome position (GRCh38, 1-based): chr20:35,001,981, C>T. VCF-style: chr20-35001981-C-T. GRCh37 (hg19) VCF-style: chr20-33589784-C-T.
Other names: c.5836C>T (NM_020884.3); short protein forms R1904C.
Identifiers: ClinVar variation 3629050 (VCV003629050.3).
Genomic context (GRCh38, chr20:35,001,981, plus strand): 5'-GAACCAAGGCCCTGTGTGTGCCCCCAGGAGCAGCAGGCCAACACCAACCTGGCCAAGTAT[C>T]GCAAGGCCCAGCACGAGCTGGATGATGCGGAGGAGCGGGCAGACATGGCGGAAACCCAGG-3'
Protein context (NP_065935.4, residues 1894-1914): QQANTNLAKY[Arg1904Cys]KAQHELDDAE